The following is an entry in ClinVar:

ClinVar aggregate classification (germline): Uncertain significance (1 of 4 stars; one submission).

Conditions:
Acromesomelic dysplasia 3 (AMD3). Also called: CHONDRODYSPLASIA, ACROMESOMELIC, WITH OR WITHOUT GENITAL ANOMALIES; Acromesomelic dysplasia, Demirhan type. Identifiers: MedGen C4225404, MONDO:0012274, OMIM 609441.
Type A2 brachydactyly (BDA2). Also called: Brachymesophalangy type 2; MOHR-WRIEDT TYPE BRACHYDACTYLY; BRACHYMESOPHALANGY II. Identifiers: Orphanet 93396, MedGen C1832702, MONDO:0007216, OMIM 112600, HP:0009372.

gnomAD v4.1: 2 of 1,613,296 alleles (0.00012%); highest among the groups gnomAD compares: Non-Finnish European, 0.00017%; no homozygotes.

Submission:

Labcorp Genetics (formerly Invitae), Labcorp
Classification: Uncertain significance for Type A2 brachydactyly; Acromesomelic dysplasia 3. Last evaluated: 2025-03-12. Review status: criteria provided, single submitter. Criteria: Invitae Variant Classification Sherloc (09022015). Collection method: clinical testing. Allele origin: germline.
Comment: This sequence change replaces asparagine, which is neutral and polar, with serine, which is neutral and polar, at codon 10 of the BMPR1B protein (p.Asn10Ser). This variant is not present in population databases (gnomAD no frequency). This variant has not been reported in the literature in individuals affected with BMPR1B-related conditions. Invitae Evidence Modeling of protein sequence and biophysical properties (such as structural, functional, and spatial information, amino acid conservation, physicochemical variation, residue mobility, and thermodynamic stability) indicates that this missense variant is not expected to disrupt BMPR1B protein function with a negative predictive value of 95%. In summary, the available evidence is currently insufficient to determine the role of this variant in disease. Therefore, it has been classified as a Variant of Uncertain Significance.

NM_001203.3(BMPR1B):c.29A>G (p.Asn10Ser)

Gene: BMPR1B (bone morphogenetic protein receptor type 1B; plus strand). Cytogenetic location: 4q22.3.
Variant type: single nucleotide variant.
Coding change: c.29A>G on transcript NM_001203.3 (MANE Select); coding-DNA position 29, A replaced by G.
Protein change: p.Asn10Ser; replaces asparagine 10 with serine.
Molecular consequence: missense variant.
Genome position (GRCh38, 1-based): chr4:95,104,453, A>G. VCF-style: chr4-95104453-A-G. GRCh37 (hg19) VCF-style: chr4-96025604-A-G.
Other names: c.29A>G, p.Asn10Ser (NM_001256792.2, NM_001256794.1); c.119A>G, p.Asn40Ser (NM_001256793.2); short protein forms N40S, N10S.
Identifiers: ClinVar variation 4793266 (VCV004793266.1).
Genomic context (GRCh38, chr4:95,104,453, plus strand): 5'-TATTTCTTCTTTCAGCAAACTTCCTTGATAACATGCTTTTGCGAAGTGCAGGAAAATTAA[A>G]TGTGGGCACCAAGAAAGAGGATGGTGAGAGTACAGCCCCCACCCCCCGTCCAAAGGTCTT-3'
Protein context (NP_001194.1, residues 1-20): MLLRSAGKL[Asn10Ser]VGTKKEDGES